The following is an entry in ClinVar:

NM_005633.4(SOS1):c.800T>A (p.Val267Glu)

Gene: SOS1 (SOS Ras/Rac guanine nucleotide exchange factor 1; minus strand). Cytogenetic location: 2p22.1.
Variant type: single nucleotide variant.
Coding change: c.800T>A on transcript NM_005633.4 (MANE Select); coding-DNA position 800, T replaced by A.
Protein change: p.Val267Glu; replaces valine 267 with glutamic acid.
Molecular consequence: missense variant.
Genome position (GRCh38, 1-based): chr2:39,051,208, A>T on the plus strand (T>A on the coding strand, the complement: SOS1 is on the minus strand). VCF-style: chr2-39051208-A-T. GRCh37 (hg19) VCF-style: chr2-39278349-A-T.
Other names: c.779T>A, p.Val260Glu (NM_001382394.1); c.800T>A, p.Val267Glu (NM_001382395.1); short protein forms V260E, V267E.
Identifiers: ClinVar variation 4775334 (VCV004775334.1).

ClinVar aggregate classification (germline): Uncertain significance (1 of 4 stars; one submission).

Conditions:
RASopathy. Also called: Noonan spectrum disorder; rasopathies. Identifiers: Orphanet 536391, MedGen C5555857, MONDO:0021060.

Submission:

Labcorp Genetics (formerly Invitae), Labcorp
Classification: Uncertain significance for RASopathy. Last evaluated: 2025-08-22. Review status: criteria provided, single submitter. Criteria: Invitae Variant Classification Sherloc (09022015). Collection method: clinical testing. Allele origin: germline.
Comment: This sequence change replaces valine, which is neutral and non-polar, with glutamic acid, which is acidic and polar, at codon 267 of the SOS1 protein (p.Val267Glu). This variant is not present in population databases (gnomAD no frequency). This variant has not been reported in the literature in individuals affected with SOS1-related conditions. Invitae Evidence Modeling of protein sequence and biophysical properties (such as structural, functional, and spatial information, amino acid conservation, physicochemical variation, residue mobility, and thermodynamic stability) indicates that this missense variant is expected to disrupt SOS1 protein function with a positive predictive value of 95%. In summary, the available evidence is currently insufficient to determine the role of this variant in disease. Therefore, it has been classified as a Variant of Uncertain Significance.